The following is an entry in ClinVar:

NM_020987.5(ANK3):c.2643C>A (p.Asp881Glu)

Gene: ANK3 (ankyrin 3; minus strand). Cytogenetic location: 10q21.2.
Variant type: single nucleotide variant.
Coding change: c.2643C>A on transcript NM_020987.5 (MANE Select); coding-DNA position 2643, C replaced by A.
Protein change: p.Asp881Glu; replaces aspartic acid 881 with glutamic acid.
Molecular consequence: missense variant.
Genome position (GRCh38, 1-based): chr10:60,139,059, G>T on the plus strand (C>A on the coding strand, the complement: ANK3 is on the minus strand). VCF-style: chr10-60139059-G-T. GRCh37 (hg19) VCF-style: chr10-61898817-G-T.
Other names: c.45C>A, p.Asp15Glu (NM_001149.4); c.2625C>A, p.Asp875Glu (NM_001204403.2); c.2646C>A, p.Asp882Glu (NM_001204404.2); c.2643C>A, p.Asp881Glu (NM_001320874.2); short protein forms D881E, D882E, D875E, D15E.
Identifiers: ClinVar variation 2904100 (VCV002904100.3), dbSNP rs781403403, ClinGen allele CA5512706.

ClinVar aggregate classification (germline): Uncertain significance (1 of 4 stars; one submission).

Allele frequency attached by ClinVar (database versions not stated): ExAC 0.00002; gnomAD 0.00001; TOPMed 0.00001.
gnomAD v4.1: 14 of 1,613,588 alleles (0.00087%); highest among the groups gnomAD compares: Admixed American, 0.0083%; no homozygotes.

Submission:

Labcorp Genetics (formerly Invitae), Labcorp
Classification: Uncertain significance. Last evaluated: 2025-03-31. Review status: criteria provided, single submitter. Criteria: Invitae Variant Classification Sherloc (09022015). Collection method: clinical testing. Allele origin: germline.
Comment: This sequence change replaces aspartic acid, which is acidic and polar, with glutamic acid, which is acidic and polar, at codon 881 of the ANK3 protein (p.Asp881Glu). This variant is present in population databases (rs781403403, gnomAD 0.01%). This variant has not been reported in the literature in individuals affected with ANK3-related conditions. ClinVar contains an entry for this variant (Variation ID: 2904100). Invitae Evidence Modeling of protein sequence and biophysical properties (such as structural, functional, and spatial information, amino acid conservation, physicochemical variation, residue mobility, and thermodynamic stability) indicates that this missense variant is not expected to disrupt ANK3 protein function with a negative predictive value of 80%. In summary, the available evidence is currently insufficient to determine the role of this variant in disease. Therefore, it has been classified as a Variant of Uncertain Significance.